The following is an entry in ClinVar:

NM_001942.4(DSG1):c.460C>T (p.Pro154Ser)

Gene: DSG1 (desmoglein 1; plus strand). Cytogenetic location: 18q12.1.
Variant type: single nucleotide variant.
Coding change: c.460C>T on transcript NM_001942.4 (MANE Select); coding-DNA position 460, C replaced by T.
Protein change: p.Pro154Ser; replaces proline 154 with serine.
Molecular consequence: missense variant.
Genome position (GRCh38, 1-based): chr18:31,329,979, C>T. VCF-style: chr18-31329979-C-T. GRCh37 (hg19) VCF-style: chr18-28909942-C-T.
Other names: c.460C>T (NM_001942.2); short protein forms P154S.
Identifiers: ClinVar variation 1438876 (VCV001438876.7), dbSNP rs371978779, ClinGen allele CA8925846.

ClinVar aggregate classification (germline): Uncertain significance. Review status: criteria provided, multiple submitters, no conflicts (2 of 4 stars). 2 submissions from 2 submitters: Uncertain significance (2). Last evaluated 2026-01-19.

Conditions:
Inborn genetic diseases. Identifiers: MedGen C0950123, MeSH D030342.

Allele frequency attached by ClinVar (database versions not stated): ESP Exome Variant Server 0.00008.

Submissions (2):

Labcorp Genetics (formerly Invitae), Labcorp
Classification: Uncertain significance. Last evaluated: 2026-01-19. Review status: criteria provided, single submitter. Criteria: Invitae Variant Classification Sherloc (09022015). Collection method: clinical testing. Allele origin: germline.
Comment: This sequence change replaces proline, which is neutral and non-polar, with serine, which is neutral and polar, at codon 154 of the DSG1 protein (p.Pro154Ser). This variant is present in population databases (rs371978779, gnomAD 0.03%). This variant has not been reported in the literature in individuals affected with DSG1-related conditions. ClinVar contains an entry for this variant (Variation ID: 1438876). Invitae Evidence Modeling of protein sequence and biophysical properties (such as structural, functional, and spatial information, amino acid conservation, physicochemical variation, residue mobility, and thermodynamic stability) indicates that this missense variant is not expected to disrupt DSG1 protein function with a negative predictive value of 80%. In summary, the available evidence is currently insufficient to determine the role of this variant in disease. Therefore, it has been classified as a Variant of Uncertain Significance.

Ambry Genetics
Classification: Uncertain significance for Inborn genetic diseases. Last evaluated: 2021-08-16. Review status: criteria provided, single submitter. Criteria: Ambry Variant Classification Scheme 2023. Collection method: clinical testing. Allele origin: germline.